The following is an entry in ClinVar:

NM_018417.6(ADCY10):c.28G>C (p.Asp10His)

Genes: ADCY10 (adenylate cyclase 10; minus strand), DCAF6 (DDB1 and CUL4 associated factor 6; plus strand). Cytogenetic location: 1q24.2.
Variant type: single nucleotide variant.
Coding change: c.28G>C on transcript NM_018417.6 (MANE Select); coding-DNA position 28, G replaced by C.
Protein change: p.Asp10His; replaces aspartic acid 10 with histidine.
Molecular consequence: missense variant. On other transcripts: 5 prime UTR variant (1), intron variant (1).
Genome position (GRCh38, 1-based): chr1:167,905,113, C>G on the plus strand (G>C on the coding strand, the complement: ADCY10 is on the minus strand). VCF-style: chr1-167905113-C-G. GRCh37 (hg19) VCF-style: chr1-167874351-C-G.
Other names: c.-286G>C (NM_001297772.2); c.-62-3059G>C (NM_001167749.3); short protein forms D10H.
Identifiers: ClinVar variation 2863448 (VCV002863448.3), dbSNP rs1669724166, ClinGen allele CA343080574.
Genomic context (GRCh38, chr1:167,905,113, plus strand): 5'-AGAAATGTCCATAGACAATGAGGTCTGGTAAATGAGCTGCTATTCTGACTATGGGCCAGT[C>G]CTGGAATTCTTCTTTTGGAGTGTTCATGTTCAAGACAAATGTTCAGGATTTTATGGTGAC-3'
Protein context (NP_060887.2, residues 1-20): MNTPKEEFQ[Asp10His]WPIVRIAAHL

ClinVar aggregate classification (germline): Uncertain significance (1 of 4 stars; one submission).

Allele frequency attached by ClinVar (database versions not stated): gnomAD 0.00001.
gnomAD v4.1: 1 of 1,614,004 alleles (0.000062%); highest among the groups gnomAD compares: Admixed American, 0.0017%; no homozygotes.

Submission:

Labcorp Genetics (formerly Invitae), Labcorp
Classification: Uncertain significance. Last evaluated: 2023-07-31. Review status: criteria provided, single submitter. Criteria: Invitae Variant Classification Sherloc (09022015). Collection method: clinical testing. Allele origin: germline.
Comment: This sequence change replaces aspartic acid, which is acidic and polar, with histidine, which is basic and polar, at codon 10 of the ADCY10 protein (p.Asp10His). This variant is not present in population databases (gnomAD no frequency). This variant has not been reported in the literature in individuals affected with ADCY10-related conditions. An algorithm developed to predict the effect of missense changes on protein structure and function (PolyPhen-2) suggests that this variant is likely to be disruptive. In summary, the available evidence is currently insufficient to determine the role of this variant in disease. Therefore, it has been classified as a Variant of Uncertain Significance.